The following is an entry in ClinVar:

ClinVar aggregate classification (germline): Uncertain significance. Review status: criteria provided, multiple submitters, no conflicts (2 of 4 stars). 2 submissions from 2 submitters: Uncertain significance (2). Last evaluated 2025-06-14.

Submissions (2):

Labcorp Genetics (formerly Invitae), Labcorp
Classification: Uncertain significance. Last evaluated: 2025-06-14. Review status: criteria provided, single submitter. Criteria: Invitae Variant Classification Sherloc (09022015). Collection method: clinical testing. Allele origin: germline.
Comment: This sequence change replaces cysteine, which is neutral and slightly polar, with tyrosine, which is neutral and polar, at codon 99 of the CD46 protein (p.Cys99Tyr). This variant is not present in population databases (gnomAD no frequency). This variant has not been reported in the literature in individuals affected with CD46-related conditions. Invitae Evidence Modeling of protein sequence and biophysical properties (such as structural, functional, and spatial information, amino acid conservation, physicochemical variation, residue mobility, and thermodynamic stability) indicates that this missense variant is expected to disrupt CD46 protein function with a positive predictive value of 80%. In summary, the available evidence is currently insufficient to determine the role of this variant in disease. Therefore, it has been classified as a Variant of Uncertain Significance.

Blueprint Genetics
Classification: Uncertain significance. Last evaluated: 2020-09-18. Review status: criteria provided, single submitter. Criteria: ACMG Guidelines, 2015. Collection method: clinical testing. Allele origin: germline.

NM_172351.3(CD46):c.296G>A (p.Cys99Tyr)

Gene: CD46 (CD46 molecule; plus strand). Cytogenetic location: 1q32.2.
Variant type: single nucleotide variant.
Coding change: c.296G>A on transcript NM_172351.3 (MANE Select); coding-DNA position 296, G replaced by A.
Protein change: p.Cys99Tyr; replaces cysteine 99 with tyrosine.
Molecular consequence: missense variant.
Genome position (GRCh38, 1-based): chr1:207,757,549, G>A. VCF-style: chr1-207757549-G-A. GRCh37 (hg19) VCF-style: chr1-207930894-G-A.
Other names: c.296G>A, p.Cys99Tyr (NM_002389.4, NM_153826.4, NM_172350.3 and 8 more transcripts); short protein forms C99Y.
Identifiers: ClinVar variation 4696703 (VCV004696703.2).